The following is an entry in ClinVar:

ClinVar aggregate classification (germline): Conflicting classifications of pathogenicity. Review status: criteria provided, conflicting classifications (1 of 4 stars). 2 submissions from 2 submitters: Uncertain significance (1); Likely benign (1). Last evaluated 2025-06-17.

Conditions:
Ataxia-telangiectasia syndrome (AT). Also called: Ataxia telangiectasia (A-T); LOUIS-BAR SYNDROME; Cerebello-oculocutaneous telangiectasia; Immunodeficiency with ataxia telangiectasia; Ataxia-telangiectasia, complementation group D; AT, COMPLEMENTATION GROUP C. Identifiers: Orphanet 100, MedGen C0004135, MONDO:0008840, OMIM 208900.
Hereditary cancer-predisposing syndrome. Also called: Hereditary neoplastic syndrome; Neoplastic Syndromes, Hereditary; Tumor predisposition; Hereditary Cancer Syndrome. Identifiers: Orphanet 140162, MedGen C0027672, MeSH D009386, MONDO:0015356.

Submissions (2):

Labcorp Genetics (formerly Invitae), Labcorp
Classification: Uncertain significance for Ataxia-telangiectasia syndrome. Last evaluated: 2025-06-17. Review status: criteria provided, single submitter. Criteria: Invitae Variant Classification Sherloc (09022015). Collection method: clinical testing. Allele origin: germline.
Comment: This sequence change affects codon 2996 of the ATM mRNA. It is a 'silent' change, meaning that it does not change the encoded amino acid sequence of the ATM protein. It affects a nucleotide within the consensus splice site. This variant is not present in population databases (gnomAD no frequency). This variant has not been reported in the literature in individuals affected with ATM-related conditions. ClinVar contains an entry for this variant (Variation ID: 1765334). Algorithms developed to predict the effect of sequence changes on RNA splicing suggest that this variant is not likely to affect RNA splicing. In summary, the available evidence is currently insufficient to determine the role of this variant in disease. Therefore, it has been classified as a Variant of Uncertain Significance.

Ambry Genetics
Classification: Likely benign for Hereditary cancer-predisposing syndrome. Last evaluated: 2021-12-07. Review status: criteria provided, single submitter. Criteria: Ambry Variant Classification Scheme 2023. Collection method: clinical testing. Allele origin: germline.

NM_000051.4(ATM):c.8988T>C (p.Ser2996=)

Genes: C11orf65 (chromosome 11 open reading frame 65; minus strand), ATM (ATM serine/threonine kinase; plus strand). Cytogenetic location: 11q22.3.
Variant type: single nucleotide variant.
Coding change: c.8988T>C on transcript NM_000051.4 (MANE Select); coding-DNA position 8988, T replaced by C.
Protein change: p.Ser2996=; no amino-acid change (serine 2996 retained).
Molecular consequence: synonymous variant. On other transcripts: intron variant (2).
Genome position (GRCh38, 1-based): chr11:108,365,325, T>C. VCF-style: chr11-108365325-T-C. GRCh37 (hg19) VCF-style: chr11-108236052-T-C.
Other names: c.8988T>C, p.Ser2996= (NM_001351834.2); c.640+20595A>G (NM_001330368.2); c.694+20595A>G (NM_001351110.2).
Identifiers: ClinVar variation 1765334 (VCV001765334.3), dbSNP rs2137903593, ClinGen allele CA476745151.